The following is an entry in ClinVar:

Conditions:
Breast-ovarian cancer, familial, susceptibility to, 1 (BROVCA1). Also called: BRCA1 Hereditary Breast and Ovarian Cancer; OVARIAN CANCER, SUSCEPTIBILITY TO. Identifiers: Orphanet 145, MedGen C2676676, MONDO:0011450, OMIM 604370. Disease mechanism: loss of function.

Submission:

Brotman Baty Institute, University of Washington
No classification provided (evidence only). Condition: Breast-ovarian cancer, familial 1. Review status: no classification provided. Collection method: in vitro. Allele origin: not applicable. Functional consequence: functionally_normal.
ClinVar note: "not provided" was previously submitted as the classification for the variant. However, the classification appeared to be based only on an observation of functional data so it was converted to no classification on 2025-07-30.

NM_007294.4(BRCA1):c.212+6T>G

Gene: BRCA1 (BRCA1 DNA repair associated; minus strand). Cytogenetic location: 17q21.31.
Variant type: single nucleotide variant.
Coding change: c.212+6T>G on transcript NM_007294.4 (MANE Select); 6 bases into the intron after coding-DNA position 212, T replaced by G.
Molecular consequence: intron variant.
Genome position (GRCh38, 1-based): chr17:43,106,450, A>C on the plus strand (T>G on the coding strand, the complement: BRCA1 is on the minus strand). VCF-style: chr17-43106450-A-C. GRCh37 (hg19) VCF-style: chr17-41258467-A-C.
Other names: c.71+6T>G (NM_001408458.1, NM_001407931.1, NM_001407747.1 and 99 more transcripts); c.-218-11590T>G (NM_001407967.1, NM_001407966.1); c.-169-1494T>G (NM_001407959.1, NM_001407962.1, NM_001408512.1 and 4 more transcripts); c.2+28T>G (NM_001407885.1, NM_001407886.1, NM_001407898.1 and 58 more transcripts); c.212+6T>G (NM_001407686.1, NM_001408397.1, NM_001407632.1 and 167 more transcripts); c.81-1494T>G (NM_001408451.1); c.135-1494T>G (NM_001408475.1, NM_001407875.1, NM_001407659.1 and 21 more transcripts).
Identifiers: ClinVar variation 868793 (VCV000868793.3), dbSNP rs2054767256, ClinGen allele CA916080873.